The following is an entry in ClinVar:

ClinVar aggregate classification (germline): Uncertain significance (1 of 4 stars; one submission).

gnomAD v4.1: 8 of 1,614,194 alleles (0.0005%); highest among the groups gnomAD compares: Non-Finnish European, 0.00068%; no homozygotes.

Submission:

CeGaT Center for Human Genetics Tuebingen
Classification: Uncertain significance. Last evaluated: 2025-07-01. Review status: criteria provided, single submitter. Criteria: CeGaT Center For Human Genetics Tuebingen Variant Classification Criteria Version 2. Collection method: clinical testing. Allele origin: germline. Affected: yes. Observed: 1 variant allele.
Comment: FBXO7: PM2

NM_012179.4(FBXO7):c.560A>G (p.Tyr187Cys)

Gene: FBXO7 (F-box protein 7; plus strand). Cytogenetic location: 22q12.3.
Variant type: single nucleotide variant.
Coding change: c.560A>G on transcript NM_012179.4 (MANE Select); coding-DNA position 560, A replaced by G.
Protein change: p.Tyr187Cys; replaces tyrosine 187 with cysteine.
Molecular consequence: missense variant.
Genome position (GRCh38, 1-based): chr22:32,484,039, A>G. VCF-style: chr22-32484039-A-G. GRCh37 (hg19) VCF-style: chr22-32880026-A-G.
Other names: c.323A>G, p.Tyr108Cys (NM_001033024.2); c.218A>G, p.Tyr73Cys (NM_001257990.2); short protein forms Y108C, Y187C, Y73C.
Identifiers: ClinVar variation 4084548 (VCV004084548.8).
Genomic context (GRCh38, chr22:32,484,039, plus strand): 5'-AACCCATGCTCTGTAGTGAATCGGTGGAAGGGCAAGTGCCACATTCATTAGAGACCTTGT[A>G]TCAATCAGCTGACTGTTCTGATGCCAATGATGCCTTGATAGTGTTGATACATCTTCTCAT-3'
Protein context (NP_036311.3, residues 177-197): GQVPHSLETL[Tyr187Cys]QSADCSDAND